The following is an entry in ClinVar:

NM_021930.6(RINT1):c.2120A>T (p.Asp707Val)

Genes: EFCAB10 (EF-hand calcium binding domain 10; minus strand), RINT1 (RAD50 interactor 1; plus strand). Cytogenetic location: 7q22.3.
Variant type: single nucleotide variant.
Coding change: c.2120A>T on transcript NM_021930.6 (MANE Select); coding-DNA position 2120, A replaced by T.
Protein change: p.Asp707Val; replaces aspartic acid 707 with valine.
Molecular consequence: missense variant. On other transcripts: nonsense (1), non-coding transcript variant (1), intron variant (2).
Genome position (GRCh38, 1-based): chr7:105,565,582, A>T. VCF-style: chr7-105565582-A-T. GRCh37 (hg19) VCF-style: chr7-105206029-A-T.
Other names: c.417T>A, p.Tyr139Ter (NM_001355530.2); c.1886A>T, p.Asp629Val (NM_001346599.2); c.1097A>T, p.Asp366Val (NM_001346600.2, NM_001346603.2); c.1196A>T, p.Asp399Val (NM_001346601.2); c.360-135T>A (NM_001355531.2); c.384-135T>A (NM_001355526.2); short protein forms D366V, D399V, D629V, D707V, Y139*.
Identifiers: ClinVar variation 3227635 (VCV003227635.1), dbSNP rs1791685271, ClinGen allele CA368815170.

ClinVar aggregate classification (germline): Uncertain significance (1 of 4 stars; one submission).

Submission:

Ambry Genetics
Classification: Uncertain significance. Last evaluated: 2024-02-25. Review status: criteria provided, single submitter. Criteria: Ambry Variant Classification Scheme 2023. Collection method: clinical testing. Allele origin: germline.
Comment: The p.D707V variant (also known as c.2120A>T), located in coding exon 14 of the RINT1 gene, results from an A to T substitution at nucleotide position 2120. The aspartic acid at codon 707 is replaced by valine, an amino acid with highly dissimilar properties. This amino acid position is conserved. In addition, this alteration is predicted to be deleterious by in silico analysis. Based on the available evidence, the clinical significance of this alteration remains unclear.